The following is an entry in ClinVar:

NM_152443.3(RDH12):c.69-5G>A

Genes: GPHN (gephyrin; plus strand), RDH12 (retinol dehydrogenase 12; plus strand). Cytogenetic location: 14q24.1.
Variant type: single nucleotide variant.
Coding change: c.69-5G>A on transcript NM_152443.3 (MANE Select); 5 bases into the intron before coding-DNA position 69, G replaced by A.
Molecular consequence: intron variant.
Genome position (GRCh38, 1-based): chr14:67,724,468, G>A. VCF-style: chr14-67724468-G-A. GRCh37 (hg19) VCF-style: chr14-68191185-G-A.
Other names: c.69-5G>A (NM_152443.2).
Identifiers: ClinVar variation 1108992 (VCV001108992.12), dbSNP rs754192276, ClinGen allele CA7238594.

ClinVar aggregate classification (germline): Likely benign. Review status: criteria provided, multiple submitters, no conflicts (2 of 4 stars). 3 submissions from 3 submitters: Likely benign (2). 1 of the submissions does not count toward it. Last evaluated 2024-07-30.

Conditions:
RDH12-related disorder. Also called: RDH12-related condition; RDH12-related disorders.
Leber congenital amaurosis 13 (LCA13). Identifiers: MedGen C2675186, MONDO:0012990, OMIM 612712.

Allele frequency attached by ClinVar (database versions not stated): gnomAD exomes below 0.00001 and 0.00001; TOPMed below 0.00001; ExAC 0.00001.
gnomAD v4.1: 10 of 1,584,458 alleles (0.00063%); highest among the groups gnomAD compares: South Asian, 0.0011%; no homozygotes.

Submissions (3):

Labcorp Genetics (formerly Invitae), Labcorp
Classification: Likely benign for Leber congenital amaurosis 13. Last evaluated: 2024-07-30. Review status: criteria provided, single submitter. Criteria: Invitae Variant Classification Sherloc (09022015). Collection method: clinical testing. Allele origin: germline.

Blueprint Genetics
Classification: Likely benign. Last evaluated: 2024-07-15. Review status: criteria provided, single submitter. Criteria: ACMG Guidelines, 2015. Collection method: clinical testing. Allele origin: germline.

PreventionGenetics, part of Exact Sciences
Classification: Likely benign for RDH12-related condition. Last evaluated: 2019-02-21. Review status: no assertion criteria provided. Collection method: clinical testing. Allele origin: germline. Not counted in ClinVar's aggregate classification.
Comment: This variant is classified as likely benign based on ACMG/AMP sequence variant interpretation guidelines (Richards et al. 2015 PMID: 25741868, with internal and published modifications).